The following is an entry in ClinVar:

NM_194255.4(SLC19A1):c.1514A>G (p.Glu505Gly)

Gene: SLC19A1 (solute carrier family 19 member 1; minus strand). Cytogenetic location: 21q22.3.
Variant type: single nucleotide variant.
Coding change: c.1514A>G on transcript NM_194255.4 (MANE Select); coding-DNA position 1514, A replaced by G.
Protein change: p.Glu505Gly; replaces glutamic acid 505 with glycine.
Molecular consequence: missense variant. On other transcripts: intron variant (2).
Genome position (GRCh38, 1-based): chr21:45,515,920, T>C on the plus strand (A>G on the coding strand, the complement: SLC19A1 is on the minus strand). VCF-style: chr21-45515920-T-C. GRCh37 (hg19) VCF-style: chr21-46935834-T-C.
Other names: c.1514A>G (NM_194255.2); c.1394A>G, p.Glu465Gly (NM_001205207.3); c.1160A>G, p.Glu387Gly (NM_001352510.2); c.1514A>G, p.Glu505Gly (NM_001352512.2); c.1294-768A>G (NM_001352511.3, NM_001205206.4); short protein forms E387G, E465G, E505G.
Identifiers: ClinVar variation 2407605 (VCV002407605.9), dbSNP rs557998866, ClinGen allele CA321929095.

ClinVar aggregate classification (germline): Uncertain significance. Review status: criteria provided, multiple submitters, no conflicts (2 of 4 stars). 2 submissions from 2 submitters: Uncertain significance (2). Last evaluated 2022-01-31.

Allele frequency attached by ClinVar (database versions not stated): TOPMed below 0.00001; gnomAD 0.00001; gnomAD exomes 0.00001.
gnomAD v4.1: 25 of 1,548,556 alleles (0.0016%); highest among the groups gnomAD compares: Middle Eastern, 0.034%; 1 homozygote.

Submissions (2):

Labcorp Genetics (formerly Invitae), Labcorp
Classification: Uncertain significance. Last evaluated: 2022-01-31. Review status: criteria provided, single submitter. Criteria: Invitae Variant Classification Sherloc (09022015). Collection method: clinical testing. Allele origin: germline.
Comment: In summary, the available evidence is currently insufficient to determine the role of this variant in disease. Therefore, it has been classified as a Variant of Uncertain Significance. Algorithms developed to predict the effect of missense changes on protein structure and function output the following: SIFT: "Deleterious"; PolyPhen-2: "Possibly Damaging"; Align-GVGD: "Class C0". The glycine amino acid residue is found in multiple mammalian species, which suggests that this missense change does not adversely affect protein function. This variant has not been reported in the literature in individuals affected with SLC19A1-related conditions. This variant is present in population databases (rs557998866, gnomAD no frequency). This sequence change replaces glutamic acid, which is acidic and polar, with glycine, which is neutral and non-polar, at codon 505 of the SLC19A1 protein (p.Glu505Gly).

Ambry Genetics
Classification: Uncertain significance. Last evaluated: 2021-07-21. Review status: criteria provided, single submitter. Criteria: Ambry Variant Classification Scheme 2023. Collection method: clinical testing. Allele origin: germline.